The following is an entry in ClinVar:

ClinVar aggregate classification (germline): Uncertain significance. Review status: criteria provided, multiple submitters, no conflicts (2 of 4 stars). 2 submissions from 2 submitters: Uncertain significance (2). Last evaluated 2025-06-16.

Conditions:
Hereditary cancer-predisposing syndrome. Also called: Tumor predisposition; Hereditary neoplastic syndrome; Hereditary Cancer Syndrome; Neoplastic Syndromes, Hereditary. Identifiers: Orphanet 140162, MedGen C0027672, MeSH D009386, MONDO:0015356.
Retinoblastoma (RB1). Also called: RETINOBLASTOMA, SOMATIC. Identifiers: Orphanet 790, MedGen C0035335, MeSH D012175, MONDO:0008380, OMIM 180200, HP:0009919. Disease mechanism: loss of function. Inheritance: Both sporadic and heritable forms are tested..

Allele frequency attached by ClinVar (database versions not stated): gnomAD 0.00001; 1000 Genomes Project 30x 0.00016; 1000 Genomes Project 0.00020.

Submissions (2):

Labcorp Genetics (formerly Invitae), Labcorp
Classification: Uncertain significance for Retinoblastoma. Last evaluated: 2025-06-16. Review status: criteria provided, single submitter. Criteria: Invitae Variant Classification Sherloc (09022015). Collection method: clinical testing. Allele origin: germline.
Comment: This sequence change replaces arginine, which is basic and polar, with glutamine, which is neutral and polar, at codon 7 of the RB1 protein (p.Arg7Gln). This variant is not present in population databases (gnomAD no frequency). This variant has not been reported in the literature in individuals affected with RB1-related conditions. ClinVar contains an entry for this variant (Variation ID: 938239). Invitae Evidence Modeling of protein sequence and biophysical properties (such as structural, functional, and spatial information, amino acid conservation, physicochemical variation, residue mobility, and thermodynamic stability) has been performed for this missense variant. However, the output from this modeling did not meet the statistical confidence thresholds required to predict the impact of this variant on RB1 protein function. In summary, the available evidence is currently insufficient to determine the role of this variant in disease. Therefore, it has been classified as a Variant of Uncertain Significance.

Ambry Genetics
Classification: Uncertain significance for Hereditary cancer-predisposing syndrome. Last evaluated: 2024-03-14. Review status: criteria provided, single submitter. Criteria: Ambry Variant Classification Scheme 2023. Collection method: clinical testing. Allele origin: germline.
Comment: The p.R7Q variant (also known as c.20G>A), located in coding exon 1 of the RB1 gene, results from a G to A substitution at nucleotide position 20. The arginine at codon 7 is replaced by glutamine, an amino acid with highly similar properties. In a study of whole-exome sequencing in patients with features of Cowden syndrome (CS) or Bannayan-Riley-Ruvalcaba syndrome (BRRS) and negative PTEN testing, this alteration was identified in 0/87 patients with CS or BRRS and 1/3476 patients from The Cancer Genome Atlas (TCGA) (Yehia L et al. PLoS Genet, 2018 04;14:e1007352). This amino acid position is highly conserved in available vertebrate species. In addition, the in silico prediction for this alteration is inconclusive. Since supporting evidence is limited at this time, the clinical significance of this alteration remains unclear.

Literature cited by the submitters: PubMed 29684080 (cited by Ambry Genetics).

NM_000321.3(RB1):c.20G>A (p.Arg7Gln)

Gene: RB1 (RB transcriptional corepressor 1; plus strand). Cytogenetic location: 13q14.2.
Variant type: single nucleotide variant.
Coding change: c.20G>A on transcript NM_000321.3 (MANE Select); coding-DNA position 20, G replaced by A.
Protein change: p.Arg7Gln; replaces arginine 7 with glutamine.
Molecular consequence: missense variant.
Genome position (GRCh38, 1-based): chr13:48,303,932, G>A. VCF-style: chr13-48303932-G-A. GRCh37 (hg19) VCF-style: chr13-48878068-G-A.
Other names: short protein forms R7Q.
Identifiers: ClinVar variation 938239 (VCV000938239.12), dbSNP rs564059250, ClinGen allele CA249842023.